The following is an entry in ClinVar:

NM_001267550.2(TTN):c.82485C>T (p.Asp27495=)

Genes: TTN-AS1 (TTN antisense RNA 1; plus strand), TTN (titin; minus strand). Cytogenetic location: 2q31.2.
Variant type: single nucleotide variant.
Coding change: c.82485C>T on transcript NM_001267550.2 (MANE Select); coding-DNA position 82485, C replaced by T.
Protein change: p.Asp27495=; no amino-acid change (aspartic acid 27495 retained).
Molecular consequence: synonymous variant.
Genome position (GRCh38, 1-based): chr2:178,563,647, G>A on the plus strand (C>T on the coding strand, the complement: TTN is on the minus strand). VCF-style: chr2-178563647-G-A. GRCh37 (hg19) VCF-style: chr2-179428374-G-A.
Other names: c.77562C>T, p.Asp25854= (NM_001256850.1); c.55290C>T, p.Asp18430= (NM_003319.4); c.74781C>T, p.Asp24927= (NM_133378.4); c.55665C>T, p.Asp18555= (NM_133432.3); c.55866C>T, p.Asp18622= (NM_133437.4).
Identifiers: ClinVar variation 467546 (VCV000467546.45), dbSNP rs72648213, ClinGen allele CA1989063.

ClinVar aggregate classification (germline): Likely benign. Review status: criteria provided, multiple submitters, no conflicts (2 of 4 stars). 5 submissions from 5 submitters: Likely benign (5). Last evaluated 2026-01-10.

Conditions:
Cardiovascular phenotype. Identifiers: MedGen CN230736.
TTN-related disorder. Also called: TTN-related disorders; TTN-related condition; TTN-related disease.
Dilated cardiomyopathy 1G (CMD1G). Identifiers: Orphanet 154, MedGen C1858763, MONDO:0011400, OMIM 604145.
Autosomal recessive limb-girdle muscular dystrophy type 2J (LGMDR10). Also called: Limb-girdle muscular dystrophy, type 2J; MUSCULAR DYSTROPHY, LIMB-GIRDLE, AUTOSOMAL RECESSIVE 10. Identifiers: Orphanet 140922, MedGen C1837342, MONDO:0012127, OMIM 608807.

Allele frequency attached by ClinVar (database versions not stated): gnomAD 0.00005 and 0.00004; ExAC 0.00007; gnomAD exomes 0.00007 and 0.00004; TOPMed 0.00004.
gnomAD v4.1: 105 of 1,613,536 alleles (0.0065%); highest among the groups gnomAD compares: Non-Finnish European, 0.0084%; no homozygotes.

Submissions (5):

Labcorp Genetics (formerly Invitae), Labcorp
Classification: Likely benign for Dilated cardiomyopathy 1G; Autosomal recessive limb-girdle muscular dystrophy type 2J. Last evaluated: 2026-01-10. Review status: criteria provided, single submitter. Criteria: Invitae Variant Classification Sherloc (09022015). Collection method: clinical testing. Allele origin: germline.

PreventionGenetics, part of Exact Sciences
Classification: Likely benign for TTN-related condition. Last evaluated: 2025-07-21. Review status: criteria provided, single submitter. Criteria: ACMG Guidelines, 2015. Collection method: clinical testing. Allele origin: germline.
Comment: This variant is classified as likely benign based on ACMG/AMP sequence variant interpretation guidelines (Richards et al. 2015 PMID: 25741868, with internal and published modifications).

Blueprint Genetics
Classification: Likely benign. Last evaluated: 2024-08-20. Review status: criteria provided, single submitter. Criteria: ACMG Guidelines, 2015. Collection method: clinical testing. Allele origin: germline.

CeGaT Center for Human Genetics Tuebingen
Classification: Likely benign. Last evaluated: 2022-07-01. Review status: criteria provided, single submitter. Criteria: CeGaT Center For Human Genetics Tuebingen Variant Classification Criteria Version 2. Collection method: clinical testing. Allele origin: germline. Affected: yes. Observed: 1 variant allele.
Comment: TTN: BP4, BP7

Ambry Genetics
Classification: Likely benign for Cardiovascular phenotype. Last evaluated: 2022-03-23. Review status: criteria provided, single submitter. Criteria: Ambry Variant Classification Scheme 2023. Collection method: clinical testing. Allele origin: germline.